The following is an entry in ClinVar:

NM_000329.3(RPE65):c.725+1G>T

Gene: RPE65 (retinoid isomerohydrolase RPE65; minus strand). Cytogenetic location: 1p31.3.
Variant type: single nucleotide variant.
Coding change: c.725+1G>T on transcript NM_000329.3 (MANE Select); the canonical splice donor site of the intron after coding-DNA position 725, G replaced by T.
Molecular consequence: splice donor variant.
Genome position (GRCh38, 1-based): chr1:68,439,560, C>A on the plus strand (G>T on the coding strand, the complement: RPE65 is on the minus strand). VCF-style: chr1-68439560-C-A. GRCh37 (hg19) VCF-style: chr1-68905243-C-A.
Other names: c.449+1G>T (NM_001406857.1, NM_001406856.1); c.617+1G>T (NM_001406853.1); c.725+1G>T (NM_001406859.1).
Identifiers: ClinVar variation 2921932 (VCV002921932.4), dbSNP rs1260969698, ClinGen allele CA340745902.
Genomic context (GRCh38, chr1:68,439,560, plus strand): 5'-AGGCAAAGCAAATCTTTAAACTTGAGTTTTCCTGAAGATTCATAGCAGGCCTTCAAGTTA[C>A]CTATGAACGTAAGATGGCTTGAATCGGTCACTGCAGGGGAATTGTACAACGATCTCTGAC-3'

ClinVar aggregate classification (germline): Pathogenic/Likely pathogenic. Review status: criteria provided, multiple submitters, no conflicts (2 of 4 stars). 2 submissions from 2 submitters: Pathogenic (1); Likely pathogenic (1). Last evaluated 2024-01-18.

Conditions:
RPE65-related disorder. Also called: RPE65-related disorders; RPE65-related condition. Identifiers: MedGen CN239301.
Retinitis pigmentosa 20 (RP20). Identifiers: Orphanet 791, MedGen C3151086, MONDO:0013425, OMIM 613794.
Leber congenital amaurosis 2 (LCA2). Also called: AMAUROSIS CONGENITA OF LEBER II; Autosomal Recessive RPE65-Related Retinal Degeneration. Identifiers: Orphanet 65, MedGen C1859844, MONDO:0008765, OMIM 204100. Disease mechanism: loss of function.

Submissions (2):

Labcorp Genetics (formerly Invitae), Labcorp
Classification: Pathogenic for Leber congenital amaurosis 2; Retinitis pigmentosa 20. Last evaluated: 2024-01-18. Review status: criteria provided, single submitter. Criteria: Invitae Variant Classification Sherloc (09022015). Collection method: clinical testing. Allele origin: germline.
Comment: This sequence change affects a donor splice site in intron 7 of the RPE65 gene. It is expected to disrupt RNA splicing. Variants that disrupt the donor or acceptor splice site typically lead to a loss of protein function (PMID: 16199547), and loss-of-function variants in RPE65 are known to be pathogenic (PMID: 9326941, 9501220, 9843205, 18632300). This variant is not present in population databases (gnomAD no frequency). Disruption of this splice site has been observed in individuals with autosomal recessive RPE65-related conditions (PMID: 30268864, 31960602). Algorithms developed to predict the effect of sequence changes on RNA splicing suggest that this variant may disrupt the consensus splice site. For these reasons, this variant has been classified as Pathogenic.

Blueprint Genetics
Classification: Likely pathogenic for RPE65-related disorders. Last evaluated: 2021-09-07. Review status: criteria provided, single submitter. Criteria: ACMG Guidelines, 2015. Collection method: clinical testing. Allele origin: germline. Affected: yes. Observed: 1 variant allele.

Literature cited by the submitters: PubMed 16199547 (cited by Labcorp Genetics (formerly Invitae), Labcorp); PubMed 9326941 (cited by Labcorp Genetics (formerly Invitae), Labcorp); PubMed 9501220 (cited by Labcorp Genetics (formerly Invitae), Labcorp); PubMed 9843205 (cited by Labcorp Genetics (formerly Invitae), Labcorp); PubMed 18632300 (cited by Labcorp Genetics (formerly Invitae), Labcorp); PubMed 30268864 (cited by Labcorp Genetics (formerly Invitae), Labcorp); PubMed 31960602 (cited by Labcorp Genetics (formerly Invitae), Labcorp).